The following is an entry in ClinVar:

NM_144670.6(A2ML1):c.2368T>C (p.Phe790Leu)

Gene: A2ML1 (alpha-2-macroglobulin like 1; plus strand). Cytogenetic location: 12p13.31.
Variant type: single nucleotide variant.
Coding change: c.2368T>C on transcript NM_144670.6 (MANE Select); coding-DNA position 2368, T replaced by C.
Protein change: p.Phe790Leu; replaces phenylalanine 790 with leucine.
Molecular consequence: missense variant.
Genome position (GRCh38, 1-based): chr12:8,851,917, T>C. VCF-style: chr12-8851917-T-C. GRCh37 (hg19) VCF-style: chr12-9004513-T-C.
Other names: c.895T>C, p.Phe299Leu (NM_001282424.3); short protein forms F790L, F299L.
Identifiers: ClinVar variation 1790248 (VCV001790248.2), dbSNP rs766642148, ClinGen allele CA6436000.

ClinVar aggregate classification (germline): Uncertain significance (1 of 4 stars; one submission).

Allele frequency attached by ClinVar (database versions not stated): gnomAD exomes below 0.00001; ExAC 0.00001.
gnomAD v4.1: 1 of 1,614,188 alleles (0.000062%); highest among the groups gnomAD compares: South Asian, 0.0011%; no homozygotes.

Submission:

Ambry Genetics
Classification: Uncertain significance. Last evaluated: 2022-10-02. Review status: criteria provided, single submitter. Criteria: Ambry Variant Classification Scheme 2023. Collection method: clinical testing. Allele origin: germline.
Comment: The p.F790L variant (also known as c.2368T>C), located in coding exon 19 of the A2ML1 gene, results from a T to C substitution at nucleotide position 2368. The phenylalanine at codon 790 is replaced by leucine, an amino acid with highly similar properties. This amino acid position is conserved. In addition, the in silico prediction for this alteration is inconclusive. Since supporting evidence is limited at this time, the clinical significance of this alteration remains unclear.